The following is an entry in ClinVar:

NM_007294.4(BRCA1):c.4807_4821del (p.Pro1603_Val1607del)

Gene: BRCA1 (BRCA1 DNA repair associated; minus strand). Cytogenetic location: 17q21.31.
Variant type: Deletion.
Coding change: c.4807_4821del on transcript NM_007294.4 (MANE Select); coding-DNA positions 4807 to 4821, 15 bases deleted (CCCCAATTGAAAGTT).
Protein change: p.Pro1603_Val1607del.
Molecular consequence: inframe deletion. On other transcripts: inframe indel (365), non-coding transcript variant (1).
Genome position (GRCh38, 1-based): chr17:43,071,093-43,071,107, AACTTTCAATTGGGG deleted on the plus strand (CCCCAATTGAAAGTT on the coding strand, the reverse complement: BRCA1 is on the minus strand); deleting any 15 consecutive bases within chr17:43,071,093-43,071,117 gives the same sequence; the c. name uses the placement nearest the transcript's 3' end. VCF-style (leftmost placement, unchanged base first): chr17-43071092-CAACTTTCAATTGGGG-C. GRCh37 (hg19) VCF-style: chr17-41223109-CAACTTTCAATTGGGG-C.
Other names: LKVPQ1600del; 4926del15; c.4807_4821delCCCCAATTGAAAGTT (NM_007294.3); c.4650_4664delATTGAAAGTTCCCCA, p.Pro1554_Val1558del (NM_001407848.1, NM_001407849.1, NM_001407850.1 and 12 more transcripts); c.4797_4811delATTGAAAGTTCCCCA, p.Pro1603_Val1607del (NM_001407854.1, NM_001407593.1, NM_001407594.1 and 8 more transcripts); c.4794_4808delATTGAAAGTTCCCCA, p.Pro1602_Val1606del (NM_001407858.1, NM_001407859.1, NM_001407860.1 and 17 more transcripts); c.4791_4805delATTGAAAGTTCCCCA, p.Pro1601_Val1605del (NM_001407861.1, NM_001407627.1, NM_001407628.1 and 14 more transcripts); c.4596_4610delATTGAAAGTTCCCCA, p.Pro1536_Val1540del (NM_001407862.1); and 77 more.
Identifiers: ClinVar variation 37611 (VCV000037611.46), dbSNP rs80359888, ClinGen allele CA003026.

ClinVar aggregate classification (germline): Uncertain significance. Review status: criteria provided, multiple submitters, no conflicts (2 of 4 stars). 13 submissions from 13 submitters: Uncertain significance (10). 3 of the submissions do not count toward it. Last evaluated 2026-03-17.

Conditions:
BRCA1-related disorder. Also called: BRCA1-related condition.
Hereditary cancer-predisposing syndrome. Also called: Tumor predisposition; Neoplastic Syndromes, Hereditary; Hereditary Cancer Syndrome; Hereditary neoplastic syndrome. Identifiers: Orphanet 140162, MedGen C0027672, MeSH D009386, MONDO:0015356.
Hereditary breast ovarian cancer syndrome. Also called: Hereditary breast and ovarian cancer syndrome (HBOC); Hereditary breast and ovarian cancer syndrome; Hereditary breast and ovarian cancer; Hereditary breast and/or ovarian cancer syndrome; Breast and ovarian cancer; BRCA1- and BRCA2-Associated Hereditary Breast and Ovarian Cancer. Identifiers: Orphanet 145, MedGen C0677776, MeSH D061325, MONDO:0003582. Disease mechanism: loss of function.
Breast-ovarian cancer, familial, susceptibility to, 1 (BROVCA1). Also called: OVARIAN CANCER, SUSCEPTIBILITY TO; BRCA1 Hereditary Breast and Ovarian Cancer. Identifiers: Orphanet 145, MedGen C2676676, MONDO:0011450, OMIM 604370. Disease mechanism: loss of function.

Submissions (13):

PreventionGenetics, part of Exact Sciences
Classification: Uncertain significance for BRCA1-related condition. Last evaluated: 2026-03-17. Review status: criteria provided, single submitter. Criteria: ACMG Guidelines, 2015. Collection method: clinical testing. Allele origin: germline.
Comment: The BRCA1 c.4807_4821del15 variant is predicted to result in an in-frame deletion (p.Pro1603_Val1607del). This variant has been reported in the literature in an individual that met criteria for hereditary cancer testing, personal and/or family history of cancer were not described (Table S3, Herzog et al. 2021. PubMed ID: 34413315). This variant is reported in 0.038% of alleles in individuals of Latino descent in gnomAD. This variant is interpreted as uncertain in ClinVar (Variation ID: 37611). At this time, the clinical significance of this variant is uncertain due to the absence of conclusive functional and genetic evidence.

Women's Health and Genetics/Laboratory Corporation of America, LabCorp
Classification: Uncertain significance. Last evaluated: 2025-12-22. Review status: criteria provided, single submitter. Criteria: LabCorp Variant Classification Summary - May 2015. Collection method: clinical testing. Allele origin: germline.
Comment: Variant summary: BRCA1 c.4807_4821del15 (p.Pro1603_Val1607del) results in an in-frame deletion that is predicted to remove five amino acids from the encoded protein. The variant allele was found at a frequency of 5.2e-05 in 251400 control chromosomes. This frequency is not significantly higher than estimated for disease-causing variants in BRCA1, allowing no conclusion about variant significance. c.4807_4821del15 has been reported in individuals at risk for Hereditary Breast and Ovarian Cancer syndrome (e.g. Kang_2016, Herzog_2021). These reports do not provide unequivocal conclusions about association of the variant with Hereditary Breast And Ovarian Cancer Syndrome. To our knowledge, no experimental evidence demonstrating an impact on protein function has been reported. The following publications have been ascertained in the context of this evaluation (PMID: 16280041, 34413315, 27375968). ClinVar contains an entry for this variant (Variation ID: 37611). Based on the evidence outlined above, the variant was classified as uncertain significance.

Labcorp Genetics (formerly Invitae), Labcorp
Classification: Uncertain significance for Hereditary breast ovarian cancer syndrome. Last evaluated: 2025-12-18. Review status: criteria provided, single submitter. Criteria: Invitae Variant Classification Sherloc (09022015). Collection method: clinical testing. Allele origin: germline.
Comment: This variant, c.4807_4821del, results in the deletion of 5 amino acid(s) of the BRCA1 protein (p.Pro1603_Val1607del), but otherwise preserves the integrity of the reading frame. This variant is present in population databases (rs397507238, gnomAD 0.04%). This variant has been observed in individual(s) with BRCA1-related conditions (PMID: 34413315). ClinVar contains an entry for this variant (Variation ID: 37611). Experimental studies and prediction algorithms are not available or were not evaluated, and the functional significance of this variant is currently unknown. In summary, the available evidence is currently insufficient to determine the role of this variant in disease. Therefore, it has been classified as a Variant of Uncertain Significance.

Ambry Genetics
Classification: Uncertain significance for Hereditary cancer-predisposing syndrome. Last evaluated: 2025-07-30. Review status: criteria provided, single submitter. Criteria: Ambry Variant Classification Scheme 2023. Collection method: clinical testing. Allele origin: germline.
Comment: The c.4807_4821del15 variant (also known as p.P1603_V1607del) is located in coding exon 14 of the BRCA1 gene. This variant results from an in-frame deletion of 15 nucleotides (CCCCAATTGAAAGTT) at nucleotide positions 4807 to 4821. This results in the deletion of five amino acid residues at codons 1603 to 1607. This amino acid region is not well conserved in available vertebrate species. In addition, the in silico prediction for this alteration is inconclusive (Choi Y et al. PLoS ONE. 2012; 7(10):e46688). Based on the available evidence, the clinical significance of this variant remains unclear.

Quest Diagnostics Nichols Institute San Juan Capistrano
Classification: Uncertain significance. Last evaluated: 2025-06-02. Review status: criteria provided, single submitter. Criteria: Quest Diagnostics criteria. Collection method: clinical testing. Allele origin: unknown.
Comment: The frequency of this variant in the general population (Genome Aggregation Database) is higher than would generally be expected for pathogenic variants in this gene. Based on the available information, we are unable to determine the clinical significance of this variant.

GeneDx
Classification: Uncertain significance. Last evaluated: 2025-05-19. Review status: criteria provided, single submitter. Criteria: GeneDx Variant Classification Process June 2021. Collection method: clinical testing. Allele origin: germline. Affected: yes.
Comment: In-frame deletion of 5 amino acids in a non-repeat region; Observed in an individual with a personal and/or family history of breast and/or ovarian cancer (PMID: 34413315); In silico analysis indicates that this variant does not alter protein structure/function; Also known as 4926_4940del; This variant is associated with the following publications: (PMID: 26295337, 10923033, 16280041, 27375968, 10220405, 9974970, 11301010, 37628606, 32552130, 34413315)

Color Diagnostics, LLC DBA Color Health
Classification: Uncertain significance for Hereditary cancer-predisposing syndrome. Last evaluated: 2024-04-25. Review status: criteria provided, single submitter. Criteria: ACMG Guidelines, 2015. Collection method: clinical testing. Allele origin: germline.
Comment: This variant causes an in-frame deletion of 5 amino acids of the BRCA1 protein. This variant is also known as 4915del15, LKVPQ1600del and 4926_4940del15. To our knowledge, functional studies have not been performed for this variant. This variant has been detected in at least five individuals affected with breast, ovarian cancer or angiosarcoma (PMID: 16280041, 32552130; BIC database accession number 4413; Color internal data) and in an individual affected with ovarian cancer who also has a pathogenic BRCA2 covariant (ClinVar RCV000048661.8). This variant has also been identified in 13/251400 chromosomes in the general population by the Genome Aggregation Database (gnomAD). The available evidence is insufficient to determine the role of this variant in disease conclusively. Therefore, this variant is classified as a Variant of Uncertain Significance.

Baylor Genetics
Classification: Uncertain significance for Breast-ovarian cancer, familial, susceptibility to, 1. Last evaluated: 2024-03-18. Review status: criteria provided, single submitter. Criteria: ACMG Guidelines, 2015. Collection method: clinical testing. Allele origin: unknown.

Sema4
Classification: Uncertain significance for Hereditary cancer-predisposing syndrome. Last evaluated: 2021-09-26. Review status: criteria provided, single submitter. Criteria: Sema4 Curation Guidelines. Collection method: curation. Allele origin: germline.
Comment: The BRCA1 c.4807_4821del (p.P1603_V1607del) variant has not been reported in the literature to our knowledge. This in-frame deletion removes five not well-conserved amino acids without altering the integrity of the reading frame. Functional studies and prediction algorithms are not available for this deletion, and the functional impact of this variant is unknown. This variant was observed in 13/34592 chromosomes in the Latino population according to the Genome Aggregation Database (PMID: 32461654). This variant has been reported in ClinVar (Variation ID 37611). The overall evidence is insufficient to meet ACMG/AMP criteria for classifying it as benign or pathogenic. In summary, the clinical significance of this variant is currently uncertain.

ARUP Laboratories, Molecular Genetics and Genomics, ARUP Laboratories
Classification: Uncertain significance. Last evaluated: 2020-05-05. Review status: criteria provided, single submitter. Criteria: ARUP Molecular Germline Variant Investigation Process. Collection method: clinical testing. Allele origin: germline.
Comment: The BRCA1 c.4807_4821del; p.Pro1603_Val1607del variant (rs80359888), to our knowledge, is not reported in the medical literature but is reported in ClinVar (Variation ID: 37611). This variant is found in the Latino population with an overall allele frequency of 0.04% (13/34592 alleles) in the Genome Aggregation Database. This variant deletes five amino acids, leaving the rest of the protein in-frame. However, given the lack of clinical and functional data, the significance of the p.Pro1603_Val1607del variant is uncertain at this time.

Counsyl
Classification: Uncertain significance for Breast-ovarian cancer, familial, susceptibility to, 1. Last evaluated: 2016-02-08. Review status: no assertion criteria provided. Collection method: clinical testing. Allele origin: unknown. Not counted in ClinVar's aggregate classification.

Sharing Clinical Reports Project (SCRP)
Classification: Uncertain significance for Breast-ovarian cancer, familial 1. Last evaluated: 2011-04-18. Review status: no assertion criteria provided. Collection method: clinical testing. Allele origin: germline. Not counted in ClinVar's aggregate classification.

Breast Cancer Information Core (BIC) (BRCA1)
Classification: Uncertain significance for Breast-ovarian cancer, familial 1. Last evaluated: 1999-12-30. Review status: no assertion criteria provided. Collection method: clinical testing. Allele origin: germline. Affected: yes. Observed: 1 variant allele. Not counted in ClinVar's aggregate classification.

Literature cited by the submitters: PubMed 16280041 (cited by 3 submitters); PubMed 34413315 (cited by 3 submitters); PubMed 27375968 (cited by Women's Health and Genetics/Laboratory Corporation of America, LabCorp and Quest Diagnostics Nichols Institute San Juan Capistrano); PubMed 10923033 (cited by Quest Diagnostics Nichols Institute San Juan Capistrano); PubMed 38153744 (cited by Quest Diagnostics Nichols Institute San Juan Capistrano); PubMed 32552130 (cited by Quest Diagnostics Nichols Institute San Juan Capistrano and Color Diagnostics, LLC DBA Color Health).